The following is an entry in ClinVar:

ClinVar aggregate classification (germline): Uncertain significance. Review status: criteria provided, multiple submitters, no conflicts (2 of 4 stars). 2 submissions from 2 submitters: Uncertain significance (2). Last evaluated 2026-03-22.

Conditions:
Inborn genetic diseases. Identifiers: MedGen C0950123, MeSH D030342.

Allele frequency attached by ClinVar (database versions not stated): gnomAD exomes below 0.00001.
gnomAD v4.1: 1 of 1,613,886 alleles (0.000062%); highest among the groups gnomAD compares: African/African-American, 0.0013%; no homozygotes.

Submissions (2):

GeneDx
Classification: Uncertain significance. Last evaluated: 2026-03-22. Review status: criteria provided, single submitter. Criteria: GeneDx Variant Classification Process June 2021. Collection method: clinical testing. Allele origin: germline.
Comment: Not observed at significant frequency in large population cohorts (gnomAD); In silico analysis supports that this missense variant has a deleterious effect on protein structure/function; Has not been previously published as pathogenic or benign to our knowledge

Ambry Genetics
Classification: Uncertain significance for Inborn genetic diseases. Last evaluated: 2022-11-07. Review status: criteria provided, single submitter. Criteria: Ambry Variant Classification Scheme 2023. Collection method: clinical testing. Allele origin: germline.

NM_020318.3(PAPPA2):c.2015T>A (p.Leu672Gln)

Gene: PAPPA2 (pappalysin 2; plus strand). Cytogenetic location: 1q25.2.
Variant type: single nucleotide variant.
Coding change: c.2015T>A on transcript NM_020318.3 (MANE Select); coding-DNA position 2015, T replaced by A.
Protein change: p.Leu672Gln; replaces leucine 672 with glutamine.
Molecular consequence: missense variant.
Genome position (GRCh38, 1-based): chr1:176,670,993, T>A. VCF-style: chr1-176670993-T-A. GRCh37 (hg19) VCF-style: chr1-176640129-T-A.
Other names: c.2015T>A, p.Leu672Gln (NM_021936.3); short protein forms L672Q.
Identifiers: ClinVar variation 2322511 (VCV002322511.3), dbSNP rs1367986985, ClinGen allele CA343834274.